The following is an entry in ClinVar:

ClinVar aggregate classification (germline): Uncertain significance. Review status: criteria provided, multiple submitters, no conflicts (2 of 4 stars). 2 submissions from 2 submitters: Uncertain significance (2). Last evaluated 2023-01-23.

Conditions:
Mitochondrial trifunctional protein deficiency. Identifiers: Orphanet 746, MedGen C1969443, MONDO:0012172.

Allele frequency attached by ClinVar (database versions not stated): gnomAD exomes below 0.00001.
gnomAD v4.1: 2 of 1,569,384 alleles (0.00013%); highest among the groups gnomAD compares: Admixed American, 0.0033%; no homozygotes.

Submissions (2):

Greenwood Genetic Center Diagnostic Laboratories, Greenwood Genetic Center
Classification: Uncertain significance. Last evaluated: 2023-01-23. Review status: criteria provided, single submitter. Criteria: ACMG Guidelines, 2015. Collection method: clinical testing. Allele origin: germline. Affected: yes.
Comment: PM2

Labcorp Genetics (formerly Invitae), Labcorp
Classification: Uncertain significance for Mitochondrial trifunctional protein deficiency. Last evaluated: 2020-08-14. Review status: criteria provided, single submitter. Criteria: Invitae Variant Classification Sherloc (09022015). Collection method: clinical testing. Allele origin: germline.
Comment: In summary, the available evidence is currently insufficient to determine the role of this variant in disease. Therefore, it has been classified as a Variant of Uncertain Significance. Algorithms developed to predict the effect of missense changes on protein structure and function are either unavailable or do not agree on the potential impact of this missense change (SIFT: "Deleterious"; PolyPhen-2: "Probably Damaging"; Align-GVGD: "Class C0"). This variant has not been reported in the literature in individuals with HADHB-related conditions. This variant is not present in population databases (ExAC no frequency). This sequence change replaces leucine with serine at codon 87 of the HADHB protein (p.Leu87Ser). The leucine residue is highly conserved and there is a large physicochemical difference between leucine and serine.

NM_000183.3(HADHB):c.260T>C (p.Leu87Ser)

Gene: HADHB (hydroxyacyl-CoA dehydrogenase trifunctional multienzyme complex subunit beta; plus strand). Cytogenetic location: 2p23.3.
Variant type: single nucleotide variant.
Coding change: c.260T>C on transcript NM_000183.3 (MANE Select); coding-DNA position 260, T replaced by C.
Protein change: p.Leu87Ser; replaces leucine 87 with serine.
Molecular consequence: missense variant.
Genome position (GRCh38, 1-based): chr2:26,273,656, T>C. VCF-style: chr2-26273656-T-C. GRCh37 (hg19) VCF-style: chr2-26496524-T-C.
Other names: c.215T>C, p.Leu72Ser (NM_001281512.2); c.194T>C, p.Leu65Ser (NM_001281513.2); short protein forms L65S, L72S, L87S.
Identifiers: ClinVar variation 1026645 (VCV001026645.10), dbSNP rs1171889657, ClinGen allele CA346091719.